The following is an entry in ClinVar:

NM_001025295.3(IFITM5):c.93_95del (p.Pro33del)

Gene: IFITM5 (interferon induced transmembrane protein 5; minus strand). Cytogenetic location: 11p15.5.
Variant type: Deletion.
Coding change: c.93_95del on transcript NM_001025295.3 (MANE Select); coding-DNA positions 93 to 95, 3 bases deleted (CCC; older notation c.93_95delCCC).
Protein change: p.Pro33del; deletes proline 33.
Molecular consequence: inframe deletion.
Genome position (GRCh38, 1-based): chr11:299,396-299,398, GGG deleted on the plus strand (CCC on the coding strand, the reverse complement: IFITM5 is on the minus strand); deleting any 3 consecutive bases within chr11:299,396-299,401 gives the same sequence; the c. name uses the placement nearest the transcript's 3' end. VCF-style (leftmost placement, unchanged base first): chr11-299395-CGGG-C. GRCh37 (hg19) VCF-style: chr11-299395-CGGG-C.
Other names: short protein forms P33del.
Identifiers: ClinVar variation 4697008 (VCV004697008.1).

ClinVar aggregate classification (germline): Uncertain significance (1 of 4 stars; one submission).

Submission:

Labcorp Genetics (formerly Invitae), Labcorp
Classification: Uncertain significance. Last evaluated: 2025-12-22. Review status: criteria provided, single submitter. Criteria: Invitae Variant Classification Sherloc (09022015). Collection method: clinical testing. Allele origin: germline.
Comment: This variant, c.93_95del, results in the deletion of 1 amino acid(s) of the IFITM5 protein (p.Pro33del), but otherwise preserves the integrity of the reading frame. This variant is not present in population databases (gnomAD no frequency). This variant has not been reported in the literature in individuals affected with IFITM5-related conditions. Experimental studies and prediction algorithms are not available or were not evaluated, and the functional significance of this variant is currently unknown. In summary, the available evidence is currently insufficient to determine the role of this variant in disease. Therefore, it has been classified as a Variant of Uncertain Significance.